The following is an entry in ClinVar:

ClinVar aggregate classification (germline): Uncertain significance. Review status: criteria provided, multiple submitters, no conflicts (2 of 4 stars). 3 submissions from 3 submitters: Uncertain significance (3). Last evaluated 2022-12-19.

Conditions:
Inborn genetic diseases. Identifiers: MedGen C0950123, MeSH D030342.
Brody myopathy. Also called: BRODY DISEASE. Identifiers: Orphanet 53347, MedGen C1832918, MONDO:0010977, OMIM 601003.

Allele frequency attached by ClinVar (database versions not stated): gnomAD exomes below 0.00001; TOPMed below 0.00001; gnomAD 0.00001.

Submissions (3):

Ambry Genetics
Classification: Uncertain significance for Inborn genetic diseases. Last evaluated: 2022-12-19. Review status: criteria provided, single submitter. Criteria: Ambry Variant Classification Scheme 2023. Collection method: clinical testing. Allele origin: germline.

Women's Health and Genetics/Laboratory Corporation of America, LabCorp
Classification: Uncertain significance. Last evaluated: 2022-05-02. Review status: criteria provided, single submitter. Criteria: LabCorp Variant Classification Summary - May 2015. Collection method: clinical testing. Allele origin: germline.
Comment: Variant summary: ATP2A1 c.1442A>T (p.Lys481Met) results in a non-conservative amino acid change located in the P-type ATPase, haloacid dehalogenase domain (IPR044492) of the encoded protein sequence. Five of five in-silico tools predict a damaging effect of the variant on protein function. The variant was absent in 251476 control chromosomes (gnomAD). The available data on variant occurrences in the general population are insufficient to allow any conclusion about variant significance. To our knowledge, no occurrence of c.1442A>T in individuals affected with Brody Myopathy and no experimental evidence demonstrating its impact on protein function have been reported. One ClinVar submitter has assessed the variant since 2014: the variant was classified as of uncertain significance. Based on the evidence outlined above, the variant was classified as uncertain significance.

Labcorp Genetics (formerly Invitae), Labcorp
Classification: Uncertain significance for Brody myopathy. Last evaluated: 2021-12-27. Review status: criteria provided, single submitter. Criteria: Invitae Variant Classification Sherloc (09022015). Collection method: clinical testing. Allele origin: germline.
Comment: In summary, the available evidence is currently insufficient to determine the role of this variant in disease. Therefore, it has been classified as a Variant of Uncertain Significance. Algorithms developed to predict the effect of missense changes on protein structure and function are either unavailable or do not agree on the potential impact of this missense change (SIFT: "Deleterious"; PolyPhen-2: "Probably Damaging"; Align-GVGD: "Class C0"). This sequence change replaces lysine, which is basic and polar, with methionine, which is neutral and non-polar, at codon 481 of the ATP2A1 protein (p.Lys481Met). This variant is not present in population databases (gnomAD no frequency). This variant has not been reported in the literature in individuals affected with ATP2A1-related conditions. ClinVar contains an entry for this variant (Variation ID: 837692).

NM_004320.6(ATP2A1):c.1442A>T (p.Lys481Met)

Gene: ATP2A1 (ATPase sarcoplasmic/endoplasmic reticulum Ca2+ transporting 1; plus strand). Cytogenetic location: 16p11.2.
Variant type: single nucleotide variant.
Coding change: c.1442A>T on transcript NM_004320.6 (MANE Select); coding-DNA position 1442, A replaced by T.
Protein change: p.Lys481Met; replaces lysine 481 with methionine.
Molecular consequence: missense variant.
Genome position (GRCh38, 1-based): chr16:28,898,022, A>T. VCF-style: chr16-28898022-A-T. GRCh37 (hg19) VCF-style: chr16-28909343-A-T.
Other names: c.1067A>T, p.Lys356Met (NM_001286075.2); c.1442A>T, p.Lys481Met (NM_173201.5); short protein forms K356M, K481M.
Identifiers: ClinVar variation 837692 (VCV000837692.12), dbSNP rs1288758939, ClinGen allele CA395409337.